The following is an entry in ClinVar:

ClinVar aggregate classification (germline): Likely benign (1 of 4 stars; one submission).

Allele frequency attached by ClinVar (database versions not stated): TOPMed below 0.00001; gnomAD 0.00001.

Submission:

CeGaT Center for Human Genetics Tuebingen
Classification: Likely benign. Last evaluated: 2024-02-01. Review status: criteria provided, single submitter. Criteria: CeGaT Center For Human Genetics Tuebingen Variant Classification Criteria Version 2. Collection method: clinical testing. Allele origin: germline. Affected: yes. Observed: 1 variant allele.
Comment: POU3F3: BP4, BP7

NM_006236.3(POU3F3):c.1098G>A (p.Leu366=)

Gene: POU3F3 (POU class 3 homeobox 3; plus strand). Cytogenetic location: 2q12.1.
Variant type: single nucleotide variant.
Coding change: c.1098G>A on transcript NM_006236.3 (MANE Select); coding-DNA position 1098, G replaced by A.
Protein change: p.Leu366=; no amino-acid change (leucine 366 retained).
Molecular consequence: synonymous variant.
Genome position (GRCh38, 1-based): chr2:104,856,608, G>A. VCF-style: chr2-104856608-G-A. GRCh37 (hg19) VCF-style: chr2-105473066-G-A.
Identifiers: ClinVar variation 3026380 (VCV003026380.22), dbSNP rs1346481009, ClinGen allele CA428208078.
Genomic context (GRCh38, chr2:104,856,608, plus strand): 5'-GCTGGGCACACTCTACGGCAACGTGTTCTCGCAGACCACCATCTGCCGCTTCGAGGCCCT[G>A]CAGCTGAGCTTCAAGAACATGTGCAAGCTCAAGCCGCTGCTGAACAAGTGGCTGGAGGAG-3'
Protein context (NP_006227.1, residues 356-376): SQTTICRFEA[Leu366=]QLSFKNMCKL